The following is an entry in ClinVar:

NM_005263.5(GFI1):c.267C>G (p.Phe89Leu)

Gene: GFI1 (growth factor independent 1 transcriptional repressor; minus strand). Cytogenetic location: 1p22.1.
Variant type: single nucleotide variant.
Coding change: c.267C>G on transcript NM_005263.5 (MANE Select); coding-DNA position 267, C replaced by G.
Protein change: p.Phe89Leu; replaces phenylalanine 89 with leucine.
Molecular consequence: missense variant.
Genome position (GRCh38, 1-based): chr1:92,482,895, G>C on the plus strand (C>G on the coding strand, the complement: GFI1 is on the minus strand). VCF-style: chr1-92482895-G-C. GRCh37 (hg19) VCF-style: chr1-92948452-G-C.
Other names: c.267C>G, p.Phe89Leu (NM_001127215.3, NM_001127216.3); short protein forms F89L.
Identifiers: ClinVar variation 4824855 (VCV004824855.1).

ClinVar aggregate classification (germline): Uncertain significance (1 of 4 stars; one submission).

gnomAD v4.1: 1 of 1,614,144 alleles (0.000062%); highest among the groups gnomAD compares: Non-Finnish European, 0.000085%; no homozygotes.

Submission:

Ambry Genetics
Classification: Uncertain significance. Last evaluated: 2026-02-22. Review status: criteria provided, single submitter. Criteria: Ambry Variant Classification Scheme 2023. Collection method: clinical testing. Allele origin: germline.
Comment: The p.F89L variant (also known as c.267C>G), located in coding exon 2 of the GFI1 gene, results from a C to G substitution at nucleotide position 267. The phenylalanine at codon 89 is replaced by leucine, an amino acid with highly similar properties. This amino acid position is conserved. In addition, this alteration is predicted to be tolerated by in silico analysis. Based on the available evidence, the clinical significance of this variant remains unclear.